The following is an entry in ClinVar:

NM_004260.4(RECQL4):c.2179G>T (p.Ala727Ser)

Gene: RECQL4 (RecQ like helicase 4; minus strand). Cytogenetic location: 8q24.3.
Variant type: single nucleotide variant.
Coding change: c.2179G>T on transcript NM_004260.4 (MANE Select); coding-DNA position 2179, G replaced by T.
Protein change: p.Ala727Ser; replaces alanine 727 with serine.
Molecular consequence: missense variant.
Genome position (GRCh38, 1-based): chr8:144,513,592, C>A on the plus strand (G>T on the coding strand, the complement: RECQL4 is on the minus strand). VCF-style: chr8-144513592-C-A. GRCh37 (hg19) VCF-style: chr8-145738976-C-A.
Other names: short protein forms A727S.
Identifiers: ClinVar variation 649855 (VCV000649855.4), dbSNP rs773424301, ClinGen allele CA4948430.

ClinVar aggregate classification (germline): Uncertain significance. Review status: criteria provided, multiple submitters, no conflicts (2 of 4 stars). 2 submissions from 2 submitters: Uncertain significance (2). Last evaluated 2025-03-03.

Conditions:
Inborn genetic diseases. Identifiers: MedGen C0950123, MeSH D030342.
Baller-Gerold syndrome (BGS). Also called: CRANIOSYNOSTOSIS WITH RADIAL DEFECTS. Identifiers: Orphanet 1225, MedGen C0265308, MONDO:0009039, OMIM 218600.

gnomAD v4.1: 1 of 1,609,862 alleles (0.000062%); highest among the groups gnomAD compares: Non-Finnish European, 0.000085%; no homozygotes.

Submissions (2):

Labcorp Genetics (formerly Invitae), Labcorp
Classification: Uncertain significance for Baller-Gerold syndrome. Last evaluated: 2025-03-03. Review status: criteria provided, single submitter. Criteria: Invitae Variant Classification Sherloc (09022015). Collection method: clinical testing. Allele origin: germline.
Comment: This sequence change replaces alanine, which is neutral and non-polar, with serine, which is neutral and polar, at codon 727 of the RECQL4 protein (p.Ala727Ser). The frequency data for this variant in the population databases is considered unreliable, as metrics indicate poor data quality at this position in the gnomAD database. This variant has not been reported in the literature in individuals affected with RECQL4-related conditions. ClinVar contains an entry for this variant (Variation ID: 649855). Invitae Evidence Modeling of protein sequence and biophysical properties (such as structural, functional, and spatial information, amino acid conservation, physicochemical variation, residue mobility, and thermodynamic stability) indicates that this missense variant is not expected to disrupt RECQL4 protein function with a negative predictive value of 80%. In summary, the available evidence is currently insufficient to determine the role of this variant in disease. Therefore, it has been classified as a Variant of Uncertain Significance.

Ambry Genetics
Classification: Uncertain significance for Inborn genetic diseases. Last evaluated: 2025-01-23. Review status: criteria provided, single submitter. Criteria: Ambry Variant Classification Scheme 2023. Collection method: clinical testing. Allele origin: germline.
Comment: The p.A727S variant (also known as c.2179G>T), located in coding exon 13 of the RECQL4 gene, results from a G to T substitution at nucleotide position 2179. The alanine at codon 727 is replaced by serine, an amino acid with similar properties. This amino acid position is conserved. In addition, this alteration is predicted to be tolerated by in silico analysis. Based on the available evidence, the clinical significance of this variant remains unclear.